The following is an entry in ClinVar:

NM_022765.4(MICAL1):c.679T>G (p.Phe227Val)

Gene: MICAL1 (microtubule associated monooxygenase, calponin and LIM domain containing 1; minus strand). Cytogenetic location: 6q21.
Variant type: single nucleotide variant.
Coding change: c.679T>G on transcript NM_022765.4 (MANE Select); coding-DNA position 679, T replaced by G.
Protein change: p.Phe227Val; replaces phenylalanine 227 with valine.
Molecular consequence: missense variant.
Genome position (GRCh38, 1-based): chr6:109,452,399, A>C on the plus strand (T>G on the coding strand, the complement: MICAL1 is on the minus strand). VCF-style: chr6-109452399-A-C. GRCh37 (hg19) VCF-style: chr6-109773602-A-C.
Other names: c.679T>G, p.Phe227Val (NM_001159291.2); c.736T>G, p.Phe246Val (NM_001286613.2); short protein forms F246V, F227V.
Identifiers: ClinVar variation 1406134 (VCV001406134.6), dbSNP rs1775579981, ClinGen allele CA365232788.

ClinVar aggregate classification (germline): Uncertain significance (1 of 4 stars; one submission).

Submission:

Labcorp Genetics (formerly Invitae), Labcorp
Classification: Uncertain significance. Last evaluated: 2024-02-23. Review status: criteria provided, single submitter. Criteria: Invitae Variant Classification Sherloc (09022015). Collection method: clinical testing. Allele origin: germline.
Comment: This sequence change replaces phenylalanine, which is neutral and non-polar, with valine, which is neutral and non-polar, at codon 246 of the MICAL1 protein (p.Phe246Val). This variant is not present in population databases (gnomAD no frequency). This variant has not been reported in the literature in individuals affected with MICAL1-related conditions. ClinVar contains an entry for this variant (Variation ID: 1406134). An algorithm developed to predict the effect of missense changes on protein structure and function (PolyPhen-2) suggests that this variant is likely to be disruptive. In summary, the available evidence is currently insufficient to determine the role of this variant in disease. Therefore, it has been classified as a Variant of Uncertain Significance.